The following is an entry in ClinVar:

ClinVar aggregate classification (germline): Likely benign (1 of 4 stars; one submission).

Allele frequency attached by ClinVar (database versions not stated): gnomAD exomes 0.00103; 1000 Genomes Project 0.00938; gnomAD 0.00942; 1000 Genomes Project 30x 0.01046; TOPMed 0.01104.
gnomAD v4.1: 1,971 of 655,804 alleles (0.3%); highest among the groups gnomAD compares: African/African-American, 3.2%; 26 homozygotes.

Submission:

GeneDx
Classification: Likely benign. Last evaluated: 2020-11-24. Review status: criteria provided, single submitter. Criteria: GeneDx Variant Classification Process June 2021. Collection method: clinical testing. Allele origin: germline. Affected: yes.
Comment: See Variant Classification Assertion Criteria.

NM_003664.5(AP3B1):c.2809+120A>G

Gene: AP3B1 (adaptor related protein complex 3 subunit beta 1; minus strand). Cytogenetic location: 5q14.1.
Variant type: single nucleotide variant.
Coding change: c.2809+120A>G on transcript NM_003664.5 (MANE Select); 120 bases into the intron after coding-DNA position 2809, A replaced by G.
Molecular consequence: intron variant.
Genome position (GRCh38, 1-based): chr5:78,038,923, T>C on the plus strand (A>G on the coding strand, the complement: AP3B1 is on the minus strand). VCF-style: chr5-78038923-T-C. GRCh37 (hg19) VCF-style: chr5-77334747-T-C.
Other names: c.2662+120A>G (NM_001271769.2).
Identifiers: ClinVar variation 1706944 (VCV001706944.2), dbSNP rs75230657, ClinGen allele CA121596922.
Genomic context (GRCh38, chr5:78,038,923, plus strand): 5'-TTATCTTATATGATAAATTCAGTTTAACAAGAAAAAGCAAATATAAACTGAATATGCTAA[T>C]TGTCAATACAATCATATTCTACTTTACTATTTTACTAAAAAGTATTCTACTTTACTTTTA-3'